The following is an entry in ClinVar:

ClinVar aggregate classification (germline): Uncertain significance (1 of 4 stars; one submission).

Submission:

Labcorp Genetics (formerly Invitae), Labcorp
Classification: Uncertain significance. Last evaluated: 2023-12-22. Review status: criteria provided, single submitter. Criteria: Invitae Variant Classification Sherloc (09022015). Collection method: clinical testing. Allele origin: germline.
Comment: This sequence change replaces arginine, which is basic and polar, with glycine, which is neutral and non-polar, at codon 56 of the SLC12A6 protein (p.Arg56Gly). This variant is not present in population databases (gnomAD no frequency). This variant has not been reported in the literature in individuals affected with SLC12A6-related conditions. Advanced modeling of protein sequence and biophysical properties (such as structural, functional, and spatial information, amino acid conservation, physicochemical variation, residue mobility, and thermodynamic stability) performed at Invitae indicates that this missense variant is not expected to disrupt SLC12A6 protein function with a negative predictive value of 95%. In summary, the available evidence is currently insufficient to determine the role of this variant in disease. Therefore, it has been classified as a Variant of Uncertain Significance.

NM_001365088.1(SLC12A6):c.166C>G (p.Arg56Gly)

Gene: SLC12A6 (solute carrier family 12 member 6; minus strand). Cytogenetic location: 15q14.
Variant type: single nucleotide variant.
Coding change: c.166C>G on transcript NM_001365088.1 (MANE Select); coding-DNA position 166, C replaced by G.
Protein change: p.Arg56Gly; replaces arginine 56 with glycine.
Molecular consequence: missense variant. On other transcripts: 5 prime UTR variant (2).
Genome position (GRCh38, 1-based): chr15:34,336,515, G>C on the plus strand (C>G on the coding strand, the complement: SLC12A6 is on the minus strand). VCF-style: chr15-34336515-G-C. GRCh37 (hg19) VCF-style: chr15-34628716-G-C.
Other names: c.-12C>G (NM_001042494.2, NM_001042495.2); c.139C>G, p.Arg47Gly (NM_001042496.2); c.166C>G, p.Arg56Gly (NM_001042497.2, NM_133647.2); short protein forms R56G, R47G.
Identifiers: ClinVar variation 3003049 (VCV003003049.3), dbSNP rs1890208459, ClinGen allele CA391621563.
Genomic context (GRCh38, chr15:34,336,515, plus strand): 5'-CCAGTGCAACAGTTGCCAGCGAAGTGGTGGCCCCAGACATCTCACTCATAGGCTCACTCC[G>C]GCTTGTTTCAGGCACGCTTTCCCGGGAGCTAAATCTTACTCGGGAACTAGATCGAGAGCT-3'
Protein context (NP_001352017.1, residues 46-66): SSRESVPETS[Arg56Gly]SEPMSEMSGA